The following is an entry in ClinVar:

NM_006734.4(HIVEP2):c.573C>T (p.Cys191=)

Gene: HIVEP2 (HIVEP zinc finger 2; minus strand). Cytogenetic location: 6q24.2.
Variant type: single nucleotide variant.
Coding change: c.573C>T on transcript NM_006734.4 (MANE Select); coding-DNA position 573, C replaced by T.
Protein change: p.Cys191=; no amino-acid change (cysteine 191 retained).
Molecular consequence: synonymous variant.
Genome position (GRCh38, 1-based): chr6:142,774,166, G>A on the plus strand (C>T on the coding strand, the complement: HIVEP2 is on the minus strand). VCF-style: chr6-142774166-G-A. GRCh37 (hg19) VCF-style: chr6-143095303-G-A.
Identifiers: ClinVar variation 3054224 (VCV003054224.2), dbSNP rs1457905734, ClinGen allele CA452716620.

ClinVar aggregate classification (germline): Likely benign (0 of 4 stars; one submission).

Conditions:
HIVEP2-related disorder. Also called: HIVEP2-related condition.

Allele frequency attached by ClinVar (database versions not stated): gnomAD exomes below 0.00001; gnomAD 0.00001.
gnomAD v4.1: 3 of 1,613,998 alleles (0.00019%); highest among the groups gnomAD compares: Admixed American, 0.005%; no homozygotes.

Submission:

PreventionGenetics, part of Exact Sciences
Classification: Likely benign for HIVEP2-related condition. Last evaluated: 2020-05-21. Review status: no assertion criteria provided. Collection method: clinical testing. Allele origin: germline.
Comment: This variant is classified as likely benign based on ACMG/AMP sequence variant interpretation guidelines (Richards et al. 2015 PMID: 25741868, with internal and published modifications).